The following is an entry in ClinVar:

ClinVar aggregate classification (germline): Likely benign (0 of 4 stars; one submission).

Conditions:
ZFHX4-related disorder. Also called: ZFHX4-related condition.

Allele frequency attached by ClinVar (database versions not stated): ExAC 0.00002; gnomAD 0.00007; TOPMed 0.00008; 1000 Genomes Project 30x 0.00016; 1000 Genomes Project 0.00020.
gnomAD v4.1: 25 of 1,614,022 alleles (0.0015%); highest among the groups gnomAD compares: African/African-American, 0.027%; no homozygotes.

Submission:

PreventionGenetics, part of Exact Sciences
Classification: Likely benign for ZFHX4-related condition. Last evaluated: 2019-08-13. Review status: no assertion criteria provided. Collection method: clinical testing. Allele origin: germline.
Comment: This variant is classified as likely benign based on ACMG/AMP sequence variant interpretation guidelines (Richards et al. 2015 PMID: 25741868, with internal and published modifications).

NM_024721.5(ZFHX4):c.234G>A (p.Lys78=)

Gene: ZFHX4 (zinc finger homeobox 4; plus strand). Cytogenetic location: 8q21.13.
Variant type: single nucleotide variant.
Coding change: c.234G>A on transcript NM_024721.5 (MANE Select); coding-DNA position 234, G replaced by A.
Protein change: p.Lys78=; no amino-acid change (lysine 78 retained).
Molecular consequence: synonymous variant.
Genome position (GRCh38, 1-based): chr8:76,704,322, G>A. VCF-style: chr8-76704322-G-A. GRCh37 (hg19) VCF-style: chr8-77616557-G-A.
Other names: c.234G>A, p.Lys78= (NM_001410934.1).
Identifiers: ClinVar variation 3053194 (VCV003053194.2), dbSNP rs541217165, ClinGen allele CA4786605.